The following is an entry in ClinVar:

ClinVar aggregate classification (germline): Uncertain significance (1 of 4 stars; one submission).

Conditions:
Intellectual developmental disorder, autosomal recessive 74 (MRT74). Also called: Sotos syndrome 3. Identifiers: MedGen C4310684, MONDO:0014951, OMIM 617169.
Cortical dysplasia, complex, with other brain malformations 10. Identifiers: MedGen C5231458, MONDO:0032866, OMIM 618677.

Submission:

Juno Genomics, Hangzhou Juno Genomics, Inc
Classification: Uncertain significance for Cortical dysplasia, complex, with other brain malformations 10; Intellectual developmental disorder, autosomal recessive 74. Review status: criteria provided, single submitter. Criteria: ACMG Guidelines, 2015. Collection method: clinical testing. Allele origin: germline.
Comment: Absent from controls (or at extremely low frequency if recessive) in Genome Aggregation Database.;Multiple lines of computational evidence support a deleterious effect on the gene or gene product.

NM_005883.3(APC2):c.2902G>T (p.Asp968Tyr)

Gene: APC2 (APC regulator of Wnt signaling pathway 2; plus strand). Cytogenetic location: 19p13.3.
Variant type: single nucleotide variant.
Coding change: c.2902G>T on transcript NM_005883.3 (MANE Select); coding-DNA position 2902, G replaced by T.
Protein change: p.Asp968Tyr; replaces aspartic acid 968 with tyrosine.
Molecular consequence: missense variant.
Genome position (GRCh38, 1-based): chr19:1,466,203, G>T. VCF-style: chr19-1466203-G-T. GRCh37 (hg19) VCF-style: chr19-1466202-G-T.
Other names: c.2899G>T, p.Asp967Tyr (NM_001351273.1); short protein forms D968Y, D967Y.
Identifiers: ClinVar variation 5005950 (VCV005005950.2).